The following is an entry in ClinVar:

NM_138694.4(PKHD1):c.8440+1G>T

Gene: PKHD1 (PKHD1 ciliary IPT domain containing fibrocystin/polyductin; minus strand). Cytogenetic location: 6p12.3.
Variant type: single nucleotide variant.
Coding change: c.8440+1G>T on transcript NM_138694.4 (MANE Select); the canonical splice donor site of the intron after coding-DNA position 8440, G replaced by T.
Molecular consequence: splice donor variant.
Genome position (GRCh38, 1-based): chr6:51,791,235, C>A on the plus strand (G>T on the coding strand, the complement: PKHD1 is on the minus strand). VCF-style: chr6-51791235-C-A. GRCh37 (hg19) VCF-style: chr6-51656033-C-A.
Other names: c.8440+1G>T (NM_170724.3).
Identifiers: ClinVar variation 4816770 (VCV004816770.1).

ClinVar aggregate classification (germline): Likely pathogenic (1 of 4 stars; one submission).

Conditions:
Autosomal recessive polycystic kidney disease (ARPKD). Also called: AR polycystic kidney disease. Identifiers: Orphanet 731, Orphanet 8378, MedGen C0085548, MeSH D017044, MONDO:0009889.

gnomAD v4.1: 1 of 1,613,886 alleles (0.000062%); highest among the groups gnomAD compares: Non-Finnish European, 0.000085%; no homozygotes.

Submission:

Natera, Inc.
Classification: Likely pathogenic for Autosomal recessive polycystic kidney disease. Last evaluated: 2025-06-04. Review status: criteria provided, single submitter. Criteria: Natera Variant Classification Schema (03/2026). Collection method: clinical testing. Allele origin: germline.
Comment: The c.8440+1G>T variant in PKHD1 is a canonical splice donor site variant predicted to affect pre-mRNA splicing, which may result in an abnormal transcript and altered protein product. This variant is expected to result in nonsense mediated decay, truncation, or a dysfunctional protein product. This variant is rare in the general population with a frequency below the threshold expected for the associated phenotype(s). Given the available evidence, this variant is classified as Likely Pathogenic.